The following is an entry in ClinVar:

NM_000435.3(NOTCH3):c.2941C>T (p.His981Tyr)

Gene: NOTCH3 (notch receptor 3; minus strand). Cytogenetic location: 19p13.12.
Variant type: single nucleotide variant.
Coding change: c.2941C>T on transcript NM_000435.3 (MANE Select); coding-DNA position 2941, C replaced by T.
Protein change: p.His981Tyr; replaces histidine 981 with tyrosine.
Molecular consequence: missense variant.
Genome position (GRCh38, 1-based): chr19:15,181,014, G>A on the plus strand (C>T on the coding strand, the complement: NOTCH3 is on the minus strand). VCF-style: chr19-15181014-G-A. GRCh37 (hg19) VCF-style: chr19-15291825-G-A.
Other names: short protein forms H981Y.
Identifiers: ClinVar variation 995049 (VCV000995049.9), dbSNP rs143695196, ClinGen allele CA9263233.

ClinVar aggregate classification (germline): Conflicting classifications of pathogenicity. Review status: criteria provided, conflicting classifications (1 of 4 stars). 3 submissions from 3 submitters: Uncertain significance (1); Likely benign (2). Last evaluated 2026-09-19.

Conditions:
NOTCH3-related disorder. Also called: NOTCH3-related disorders; NOTCH3-related condition.

Allele frequency attached by ClinVar (database versions not stated): ExAC 0.00002; gnomAD exomes 0.00007 and 0.00010; gnomAD 0.00010 and 0.00011; TOPMed 0.00014.
gnomAD v4.1: 155 of 1,598,078 alleles (0.0097%); highest among the groups gnomAD compares: Admixed American, 0.026%; no homozygotes.

Submissions (3):

PreventionGenetics, part of Exact Sciences
Classification: Uncertain significance for NOTCH3-related condition. Last evaluated: 2026-09-19. Review status: criteria provided, single submitter. Criteria: ACMG Guidelines, 2015. Collection method: clinical testing. Allele origin: germline.
Comment: The NOTCH3 c.2941C>T variant is predicted to result in the amino acid substitution p.His981Tyr. This variant has been reported in an individual with cerebral autosomal dominant arteriopathy with subcortical infarcts and leukoencephalopathy (Fernández et al. 2015. PubMed ID: 25929831). This variant is reported in 0.016% of alleles in individuals of Latino descent in gnomAD. Although we suspect that this variant may be benign, at this time, the clinical significance of this variant is uncertain due to the absence of conclusive functional and genetic evidence.

Labcorp Genetics (formerly Invitae), Labcorp
Classification: Likely benign. Last evaluated: 2023-11-07. Review status: criteria provided, single submitter. Criteria: Invitae Variant Classification Sherloc (09022015). Collection method: clinical testing. Allele origin: germline.

Athena Diagnostics
Classification: Likely benign. Last evaluated: 2020-08-05. Review status: criteria provided, single submitter. Criteria: Athena Diagnostics Criteria. Collection method: clinical testing. Allele origin: unknown.

Literature cited by the submitters: PubMed 24086431 (cited by Athena Diagnostics); PubMed 25929831 (cited by Athena Diagnostics).